The following is an entry in ClinVar:

ClinVar aggregate classification (germline): Conflicting classifications of pathogenicity. Review status: criteria provided, conflicting classifications (1 of 4 stars). 6 submissions from 6 submitters: Uncertain significance (1); Likely benign (2). 3 of the submissions do not count toward it. Last evaluated 2026-01-08.

Conditions:
EPG5-related disorder. Also called: EPG5-related condition. Identifiers: MedGen CN381528.
Vici syndrome (VICIS). Identifiers: Orphanet 1493, MedGen C1855772, MONDO:0009452, OMIM 242840.

Allele frequency attached by ClinVar (database versions not stated): 1000 Genomes Project 0.00020; ESP Exome Variant Server 0.00025; 1000 Genomes Project 30x 0.00031; TOPMed 0.00044; ExAC 0.00056; gnomAD 0.00061 and 0.00067; gnomAD exomes 0.00065 and 0.00071.

Submissions (6):

Labcorp Genetics (formerly Invitae), Labcorp
Classification: Likely benign for Vici syndrome. Last evaluated: 2026-01-08. Review status: criteria provided, single submitter. Criteria: Invitae Variant Classification Sherloc (09022015). Collection method: clinical testing. Allele origin: germline.

Blueprint Genetics
Classification: Likely benign. Last evaluated: 2024-11-13. Review status: criteria provided, single submitter. Criteria: ACMG Guidelines, 2015. Collection method: clinical testing. Allele origin: germline.

Center for Pediatric Genomic Medicine, Children's Mercy Hospital and Clinics
Classification: Uncertain significance. Last evaluated: 2015-12-21. Review status: criteria provided, single submitter. Criteria: ACMG Guidelines, 2015. Collection method: clinical testing. Allele origin: germline.
ClinVar note: Converted during submission from Uncertain Significance to Uncertain significance.

PreventionGenetics, part of Exact Sciences
Classification: Likely benign for EPG5-related condition. Last evaluated: 2024-04-05. Review status: no assertion criteria provided. Collection method: clinical testing. Allele origin: germline. Not counted in ClinVar's aggregate classification.
Comment: This variant is classified as likely benign based on ACMG/AMP sequence variant interpretation guidelines (Richards et al. 2015 PMID: 25741868, with internal and published modifications).

Clinical Genetics DNA and cytogenetics Diagnostics Lab, Erasmus MC, Erasmus Medical Center
Classification: Likely benign. Review status: no assertion criteria provided. Collection method: clinical testing. Allele origin: germline. Affected: yes. Study: VKGL Data-share Consensus. Not counted in ClinVar's aggregate classification.

Laboratory of Diagnostic Genome Analysis, Leiden University Medical Center (LUMC)
Classification: Likely benign. Review status: no assertion criteria provided. Collection method: clinical testing. Allele origin: germline. Affected: yes. Study: VKGL Data-share Consensus. Not counted in ClinVar's aggregate classification.

NM_020964.3(EPG5):c.299C>T (p.Thr100Ile)

Gene: EPG5 (ectopic P-granules 5 autophagy tethering factor; minus strand). Cytogenetic location: 18q21.1.
Variant type: single nucleotide variant.
Coding change: c.299C>T on transcript NM_020964.3 (MANE Select); coding-DNA position 299, C replaced by T.
Protein change: p.Thr100Ile; replaces threonine 100 with isoleucine.
Molecular consequence: missense variant.
Genome position (GRCh38, 1-based): chr18:45,955,103, G>A on the plus strand (C>T on the coding strand, the complement: EPG5 is on the minus strand). VCF-style: chr18-45955103-G-A. GRCh37 (hg19) VCF-style: chr18-43535069-G-A.
Other names: c.299C>T, p.Thr100Ile (LRG_1234t1); short protein forms T100I.
Identifiers: ClinVar variation 235278 (VCV000235278.19), dbSNP rs200530606, ClinGen allele CA8949978.